The following is an entry in ClinVar:

ClinVar aggregate classification (germline): Uncertain significance (1 of 4 stars; one submission).

gnomAD v4.1: 3 of 1,613,430 alleles (0.00019%); highest among the groups gnomAD compares: Admixed American, 0.005%; no homozygotes.

Submission:

GeneDx
Classification: Uncertain significance. Last evaluated: 2022-12-02. Review status: criteria provided, single submitter. Criteria: GeneDx Variant Classification Process June 2021. Collection method: clinical testing. Allele origin: germline. Affected: yes.
Comment: Not observed in large population cohorts (gnomAD); In silico analysis supports that this missense variant has a deleterious effect on protein structure/function; Has not been previously published as pathogenic or benign to our knowledge

NM_024009.3(GJB3):c.542C>G (p.Pro181Arg)

Gene: GJB3 (gap junction protein beta 3; plus strand). Cytogenetic location: 1p34.3.
Variant type: single nucleotide variant.
Coding change: c.542C>G on transcript NM_024009.3 (MANE Select); coding-DNA position 542, C replaced by G.
Protein change: p.Pro181Arg; replaces proline 181 with arginine.
Molecular consequence: missense variant.
Genome position (GRCh38, 1-based): chr1:34,785,304, C>G. VCF-style: chr1-34785304-C-G. GRCh37 (hg19) VCF-style: chr1-35250905-C-G.
Other names: c.542C>G, p.Pro181Arg (NM_001005752.2); short protein forms P181R.
Identifiers: ClinVar variation 1803500 (VCV001803500.1), dbSNP rs760994941, ClinGen allele CA339315699.
Genomic context (GRCh38, chr1:34,785,304, plus strand): 5'-TGGTGCAGTGTGCCAACGTGGCCCCCTGCCCCAACATCGTGGACTGCTACATTGCCCGAC[C>G]TACCGAGAAGAAAATCTTCACCTACTTCATGGTGGGCGCCTCCGCCGTCTGCATCGTACT-3'
Protein context (NP_076872.1, residues 171-191): PNIVDCYIAR[Pro181Arg]TEKKIFTYFM